The following is an entry in ClinVar:

ClinVar aggregate classification (germline): Likely pathogenic (1 of 4 stars; one submission).

Conditions:
Polymicrogyria, perisylvian, with cerebellar hypoplasia and arthrogryposis (NEDSPLB). Identifiers: MedGen C4225295, MONDO:0014679, OMIM 616531.

Submission:

Precision Medical Center, Maternal and Child Health Hospital of Hubei Province
Classification: Likely pathogenic for Polymicrogyria, perisylvian, with cerebellar hypoplasia and arthrogryposis. Last evaluated: 2024-12-31. Review status: criteria provided, single submitter. Criteria: ACMG Guidelines, 2015. Collection method: clinical testing. Allele origin: paternal. Affected: yes.
Comment: PVS1+ PM2_supporting

NM_058004.4(PI4KA):c.2802_2863-40del

Gene: PI4KA (phosphatidylinositol 4-kinase alpha; minus strand). Cytogenetic location: 22q11.21.
Variant type: Deletion.
Coding change: c.2802_2863-40del on transcript NM_058004.4 (MANE Select); coding-DNA position 2802 through 40 bases into the intron before coding-DNA position 2863, 104 bases deleted.
Molecular consequence: splice donor variant.
Genome position (GRCh38, 1-based): chr22:20,753,067-20,753,170, 104 bases deleted. GRCh37 (hg19): chr22:21,107,358-21,107,461.
Other names: c.2736_2797-40del (NM_001362863.2); c.2802_2863-40del (NM_001362862.2).
Identifiers: ClinVar variation 3544366 (VCV003544366.2).